The following is an entry in ClinVar:

NM_016151.4(TAOK2):c.1960C>T (p.Arg654Trp)

Gene: TAOK2 (TAO kinase 2; plus strand). Cytogenetic location: 16p11.2.
Variant type: single nucleotide variant.
Coding change: c.1960C>T on transcript NM_016151.4 (MANE Select); coding-DNA position 1960, C replaced by T.
Protein change: p.Arg654Trp; replaces arginine 654 with tryptophan.
Molecular consequence: missense variant.
Genome position (GRCh38, 1-based): chr16:29,985,829, C>T. VCF-style: chr16-29985829-C-T. GRCh37 (hg19) VCF-style: chr16-29997150-C-T.
Other names: c.1960C>T, p.Arg654Trp (NM_001252043.2, NM_004783.4); c.1960C>T (NM_016151.2); short protein forms R654W.
Identifiers: ClinVar variation 2720891 (VCV002720891.4), dbSNP rs551868876, ClinGen allele CA7998261.

ClinVar aggregate classification (germline): Uncertain significance. Review status: criteria provided, multiple submitters, no conflicts (2 of 4 stars). 2 submissions from 2 submitters: Uncertain significance (2). Last evaluated 2025-10-06.

gnomAD v4.1: 9 of 1,611,680 alleles (0.00056%); highest among the groups gnomAD compares: South Asian, 0.0033%; no homozygotes.

Submissions (2):

Labcorp Genetics (formerly Invitae), Labcorp
Classification: Uncertain significance. Last evaluated: 2025-10-06. Review status: criteria provided, single submitter. Criteria: Invitae Variant Classification Sherloc (09022015). Collection method: clinical testing. Allele origin: germline.
Comment: This sequence change replaces arginine, which is basic and polar, with tryptophan, which is neutral and slightly polar, at codon 654 of the TAOK2 protein (p.Arg654Trp). This variant is present in population databases (rs551868876, gnomAD 0.003%). This variant has not been reported in the literature in individuals affected with TAOK2-related conditions. ClinVar contains an entry for this variant (Variation ID: 2720891). An algorithm developed to predict the effect of missense changes on protein structure and function (PolyPhen-2) suggests that this variant is likely to be disruptive. In summary, the available evidence is currently insufficient to determine the role of this variant in disease. Therefore, it has been classified as a Variant of Uncertain Significance.

Ambry Genetics
Classification: Uncertain significance. Last evaluated: 2025-08-10. Review status: criteria provided, single submitter. Criteria: Ambry Variant Classification Scheme 2023. Collection method: clinical testing. Allele origin: germline.